The following is an entry in ClinVar:

ClinVar aggregate classification (germline): Uncertain significance (1 of 4 stars; one submission).

Conditions:
Gorlin syndrome. Also called: Nevoid Basal Cell Carcinoma Syndrome; Basal cell nevus syndrome. Identifiers: Orphanet 377, MedGen C0004779, MONDO:0007187.

Allele frequency attached by ClinVar (database versions not stated): gnomAD exomes 0.00002; TOPMed 0.00002; ExAC 0.00003; gnomAD 0.00004.
gnomAD v4.1: 30 of 1,612,660 alleles (0.0019%); highest among the groups gnomAD compares: African/African-American, 0.0067%; no homozygotes.

Submission:

Labcorp Genetics (formerly Invitae), Labcorp
Classification: Uncertain significance for Gorlin syndrome. Last evaluated: 2025-12-06. Review status: criteria provided, single submitter. Criteria: Invitae Variant Classification Sherloc (09022015). Collection method: clinical testing. Allele origin: germline.
Comment: This sequence change replaces glycine, which is neutral and non-polar, with arginine, which is basic and polar, at codon 703 of the PTCH2 protein (p.Gly703Arg). This variant is present in population databases (rs769149013, gnomAD 0.02%). This variant has not been reported in the literature in individuals affected with PTCH2-related conditions. ClinVar contains an entry for this variant (Variation ID: 2081854). Invitae Evidence Modeling of protein sequence and biophysical properties (such as structural, functional, and spatial information, amino acid conservation, physicochemical variation, residue mobility, and thermodynamic stability) has been performed for this missense variant. However, the output from this modeling did not meet the statistical confidence thresholds required to predict the impact of this variant on PTCH2 protein function. In summary, the available evidence is currently insufficient to determine the role of this variant in disease. Therefore, it has been classified as a Variant of Uncertain Significance.

NM_003738.5(PTCH2):c.2107G>A (p.Gly703Arg)

Gene: PTCH2 (patched 2; minus strand). Cytogenetic location: 1p34.1.
Variant type: single nucleotide variant.
Coding change: c.2107G>A on transcript NM_003738.5 (MANE Select); coding-DNA position 2107, G replaced by A.
Protein change: p.Gly703Arg; replaces glycine 703 with arginine.
Molecular consequence: missense variant.
Genome position (GRCh38, 1-based): chr1:44,827,666, C>T on the plus strand (G>A on the coding strand, the complement: PTCH2 is on the minus strand). VCF-style: chr1-44827666-C-T. GRCh37 (hg19) VCF-style: chr1-45293338-C-T.
Other names: c.2107G>A, p.Gly703Arg (NM_001166292.2); short protein forms G703R.
Identifiers: ClinVar variation 2081854 (VCV002081854.4), dbSNP rs769149013, ClinGen allele CA823099.